The following is an entry in ClinVar:

NM_000219.6(KCNE1):c.342C>G (p.Ala114=)

Gene: KCNE1 (potassium voltage-gated channel subfamily E regulatory subunit 1; minus strand). Cytogenetic location: 21q22.12.
Variant type: single nucleotide variant.
Coding change: c.342C>G on transcript NM_000219.6 (MANE Select); coding-DNA position 342, C replaced by G.
Protein change: p.Ala114=; no amino-acid change (alanine 114 retained).
Molecular consequence: synonymous variant.
Genome position (GRCh38, 1-based): chr21:34,449,293, G>C on the plus strand (C>G on the coding strand, the complement: KCNE1 is on the minus strand). VCF-style: chr21-34449293-G-C. GRCh37 (hg19) VCF-style: chr21-35821591-G-C.
Other names: c.342C>G, p.Ala114= (NM_001127668.4, NM_001127669.4, NM_001127670.4 and 4 more transcripts).
Identifiers: ClinVar variation 3374689 (VCV003374689.2).

Conditions:
Long QT syndrome 5 (LQT5). Identifiers: Orphanet 101016, Orphanet 768, MedGen C1867904, MONDO:0013372, OMIM 613695.

gnomAD v4.1: 1 of 1,295,592 alleles (0.000077%); no homozygotes.

Submission:

Roden Lab, Vanderbilt University Medical Center
No classification provided (evidence only). Condition: Long QT syndrome 5. Review status: no classification provided. Collection method: in vitro. Allele origin: not applicable. Functional consequence: Effect on ion channel function.
ClinVar note: "not provided" was previously submitted as the classification for the variant. However, the classification appeared to be based only on an observation of functional data so it was converted to no classification on 2025-07-30.